The following is an entry in ClinVar:

NM_001371727.1(GABRB2):c.758C>T (p.Ser253Phe)

Gene: GABRB2 (gamma-aminobutyric acid type A receptor subunit beta2; minus strand). Cytogenetic location: 5q34.
Variant type: single nucleotide variant.
Coding change: c.758C>T on transcript NM_001371727.1 (MANE Select); coding-DNA position 758, C replaced by T.
Protein change: p.Ser253Phe; replaces serine 253 with phenylalanine.
Molecular consequence: missense variant.
Genome position (GRCh38, 1-based): chr5:161,334,826, G>A on the plus strand (C>T on the coding strand, the complement: GABRB2 is on the minus strand). VCF-style: chr5-161334826-G-A. GRCh37 (hg19) VCF-style: chr5-160761833-G-A.
Other names: c.758C>T, p.Ser253Phe (NM_000813.3, NM_021911.3); short protein forms S253F.
Identifiers: ClinVar variation 4853975 (VCV004853975.1).

ClinVar aggregate classification (germline): Uncertain significance (1 of 4 stars; one submission).

Conditions:
Developmental and epileptic encephalopathy 92. Also called: EPILEPTIC ENCEPHALOPATHY, INFANTILE OR EARLY CHILDHOOD, 2. Identifiers: MedGen C4693362, MONDO:0020631, OMIM 617829.

Submission:

3billion
Classification: Uncertain significance for Developmental and epileptic encephalopathy 92. Last evaluated: 2026-01-29. Review status: criteria provided, single submitter. Criteria: ACMG Guidelines, 2015. Collection method: clinical testing. Allele origin: germline. Affected: yes.
Comment: The variant is not observed in the gnomAD v4.1.0 dataset. Predicted Consequence/Location: Missense variant. Missense changes are a common disease-causing mechanism. In silico tool predictions suggest damaging effect of the variant on gene or gene product [REVEL: 0.96 (>=0.6, sensitivity 0.68 and specificity 0.92); 3Cnet: 0.99 (> 0.75, sensitivity 0.96 and precision 0.92)]. Different missense changes at the same codon have been reported as of uncertain significance (ClinVar ID: VCV000940946). Therefore, this variant is classified as VUS according to the recommendation of ACMG/AMP guideline.